The following is an entry in ClinVar:

ClinVar aggregate classification (germline): Pathogenic. Review status: criteria provided, multiple submitters, no conflicts (2 of 4 stars). 3 submissions from 3 submitters: Pathogenic (3). Last evaluated 2025-06-24.

Conditions:
Multiple endocrine neoplasia, type 1 (MEN1). Also called: MEA I; MEN I; WERMER SYNDROME; Endocrine adenomatosis multiple; MEN 1. Identifiers: Orphanet 652, MedGen C0025267, MeSH D018761, MONDO:0007540, OMIM 131100.
Hereditary cancer-predisposing syndrome. Also called: Neoplastic Syndromes, Hereditary; Hereditary neoplastic syndrome; Tumor predisposition; Hereditary Cancer Syndrome. Identifiers: Orphanet 140162, MedGen C0027672, MeSH D009386, MONDO:0015356.

Submissions (3):

Quest Diagnostics Nichols Institute San Juan Capistrano
Classification: Pathogenic. Last evaluated: 2025-06-24. Review status: criteria provided, single submitter. Criteria: Quest Diagnostics criteria. Collection method: clinical testing. Allele origin: unknown.
Comment: The MEN1 c.824G>A (p.Arg275Lys) variant has been reported in the published literature in individuals with multiple endocrine neoplasia type 1 (MEN1) syndrome (PMID: 16595707 (2006), 23778871 (2014), 28298337 (2017)). This variant has not been reported in large, multi-ethnic general populations (Genome Aggregation Database). Analysis of this variant using software algorithms for the prediction of the effect of nucleotide changes on splicing yielded predictions that this variant may affect proper MEN1 mRNA splicing. Based on the available information, this variant is classified as pathogenic.

Labcorp Genetics (formerly Invitae), Labcorp
Classification: Pathogenic for Multiple endocrine neoplasia, type 1. Last evaluated: 2025-05-07. Review status: criteria provided, single submitter. Criteria: Invitae Variant Classification Sherloc (09022015). Collection method: clinical testing. Allele origin: germline.
Comment: This sequence change replaces arginine, which is basic and polar, with lysine, which is basic and polar, at codon 275 of the MEN1 protein (p.Arg275Lys). This variant also falls at the last nucleotide of exon 5, which is part of the consensus splice site for this exon. This variant is not present in population databases (gnomAD no frequency). This missense change has been observed in individuals with multiple endocrine neoplasia type 1 (PMID: 23778871, 28298337). It has also been observed to segregate with disease in related individuals. Invitae Evidence Modeling of clinical and family history, age, sex, and reported ancestry of multiple individuals with this MEN1 variant has been performed. This variant is expected to be pathogenic with a positive predictive value of at least 99%. This is a validated machine learning model that incorporates the clinical features of 1,366,787 individuals referred to our laboratory for MEN1 testing. ClinVar contains an entry for this variant (Variation ID: 662978). An algorithm developed to predict the effect of missense changes on protein structure and function (PolyPhen-2) suggests that this variant is likely to be tolerated. Variants that disrupt the consensus splice site are a relatively common cause of aberrant splicing (PMID: 17576681, 9536098). Algorithms developed to predict the effect of sequence changes on RNA splicing suggest that this variant may disrupt the consensus splice site. For these reasons, this variant has been classified as Pathogenic.

Ambry Genetics
Classification: Pathogenic for Hereditary cancer-predisposing syndrome. Last evaluated: 2024-07-02. Review status: criteria provided, single submitter. Criteria: Ambry Variant Classification Scheme 2023. Collection method: clinical testing. Allele origin: germline.
Comment: The c.824G>A pathogenic mutation (also known as p.R275K), located in coding exon 4 of the MEN1 gene, results from a G to A substitution at nucleotide position 824. The amino acid change results in arginine to lysine at codon 275, an amino acid with highly similar properties. However, this change occurs in the last base pair of coding exon 4, which makes it likely to have some effect on normal mRNA splicing. This nucleotide position is highly conserved in available vertebrate species. Using two different splice site prediction tools, this alteration is predicted by ESEfinder to abolish the native splice donor site, but is predicted to weaken (but not abolish) the efficiency of the native splice donor site by BDGP; however, direct evidence is unavailable. In addition, c.824G>A was not reported in population-based cohorts in the Genome Aggregation Database (gnomAD). Based on the supporting evidence, this alteration is interpreted as a disease-causing mutation.

Literature cited by the submitters: PubMed 23778871 (cited by Labcorp Genetics (formerly Invitae), Labcorp and Ambry Genetics); PubMed 28298337 (cited by Labcorp Genetics (formerly Invitae), Labcorp); PubMed 17576681 (cited by Labcorp Genetics (formerly Invitae), Labcorp); PubMed 9536098 (cited by Labcorp Genetics (formerly Invitae), Labcorp).

NM_001370259.2(MEN1):c.824G>A (p.Arg275Lys)

Gene: MEN1 (menin 1; minus strand). Cytogenetic location: 11q13.1.
Variant type: single nucleotide variant.
Coding change: c.824G>A on transcript NM_001370259.2 (MANE Select); coding-DNA position 824, G replaced by A.
Protein change: p.Arg275Lys; replaces arginine 275 with lysine.
Molecular consequence: missense variant.
Genome position (GRCh38, 1-based): chr11:64,807,179, C>T on the plus strand (G>A on the coding strand, the complement: MEN1 is on the minus strand). VCF-style: chr11-64807179-C-T. GRCh37 (hg19) VCF-style: chr11-64574651-C-T.
Other names: c.839G>A, p.Arg280Lys (NM_000244.4, NM_130800.3, NM_130801.3 and 3 more transcripts); c.824G>A, p.Arg275Lys (NM_001370251.2, NM_001370260.2, NM_001370261.2 and 1 more transcripts); c.719G>A, p.Arg240Lys (NM_001370262.2, NM_001370263.2); short protein forms R240K, R280K, R275K.
Identifiers: ClinVar variation 662978 (VCV000662978.15), dbSNP rs1187634059, ClinGen allele CA381183860.
Genomic context (GRCh38, chr11:64,807,179, plus strand): 5'-AGGCTGCCACCCAGCCCCCCGGCCTCACCAGGCGCAGCCTGGCCACTTCCCTCTACTGAC[C>T]TTTCCAGATGTCCCAGGTCATAGAGCAGCCAGAGCAGCTTCTAGGAGCCGAAGGAGAGAG-3'
Protein context (NP_001357188.2, residues 265-285): WLLYDLGHLE[Arg275Lys]YPMALGNLAD